The following is an entry in ClinVar:

NC_000015.9:g.(?_91298021)_(91298188_?)del

Gene: BLM (BLM RecQ like helicase; plus strand). Cytogenetic location: 15q26.1.
Variant type: Deletion.
Identifiers: ClinVar variation 3243684 (VCV003243684.1).

ClinVar aggregate classification (germline): Pathogenic (1 of 4 stars; one submission).

Conditions:
Bloom syndrome (BLM). Also called: Bloom-Torre-Machacek syndrome. Identifiers: Orphanet 125, MedGen C0005859, MONDO:0008876, OMIM 210900.

Submission:

Labcorp Genetics (formerly Invitae), Labcorp
Classification: Pathogenic for Bloom syndrome. Last evaluated: 2023-11-22. Review status: criteria provided, single submitter. Criteria: Invitae Variant Classification Sherloc (09022015). Collection method: clinical testing. Allele origin: unknown.
Comment: This variant is a gross deletion of the genomic region encompassing exon(s) 5 of the BLM gene. This deletion is out-of-frame, and is expected to create a premature termination codon and result in an absent or disrupted protein product. Loss-of-function variants in BLM are known to be pathogenic (PMID: 17407155). This variant has not been reported in the literature in individuals affected with BLM-related conditions. For these reasons, this variant has been classified as Pathogenic.

Literature cited by the submitters: PubMed 17407155.